The following is an entry in ClinVar:

ClinVar aggregate classification (germline): Uncertain significance. Review status: criteria provided, multiple submitters, no conflicts (2 of 4 stars). 2 submissions from 2 submitters: Uncertain significance (2). Last evaluated 2022-07-18.

Conditions:
Atrial fibrillation, familial, 3 (ATFB3). Identifiers: MedGen C1837014, MONDO:0011857, OMIM 607554.
Long QT syndrome 1 (LQT1). Identifiers: Orphanet 101016, Orphanet 768, MedGen C4551647, MONDO:0100316, OMIM 192500, MONDO:0008646.
Beckwith-Wiedemann syndrome (BWS). Also called: EMG SYNDROME; Exomphalos macroglossia gigantism syndrome. Identifiers: Orphanet 116, MedGen C0004903, MONDO:0007534, OMIM 130650.
Short QT syndrome type 2. Identifiers: Orphanet 51083, MedGen C1865019, MONDO:0012313, OMIM 609621.
Jervell and Lange-Nielsen syndrome 1 (JLNS1). Also called: CARDIOAUDITORY SYNDROME OF JERVELL AND LANGE-NIELSEN; DEAFNESS, CONGENITAL, AND FUNCTIONAL HEART DISEASE; PROLONGED QT INTERVAL IN EKG AND SUDDEN DEATH; SURDO-CARDIAC SYNDROME. Identifiers: Orphanet 768, Orphanet 90647, MedGen C4551509, MONDO:0024540, OMIM 220400.
Long QT syndrome (LQTS). Identifiers: MedGen C0023976, MeSH D008133, MONDO:0002442. Disease mechanism: loss of function. Inheritance: Various modes of inheritance.

Allele frequency attached by ClinVar (database versions not stated): gnomAD exomes below 0.00001 and 0.00001; ExAC 0.00002.
gnomAD v4.1: 1 of 1,614,154 alleles (0.000062%); highest among the groups gnomAD compares: South Asian, 0.0011%; no homozygotes.

Submissions (2):

Labcorp Genetics (formerly Invitae), Labcorp
Classification: Uncertain significance for Long QT syndrome. Last evaluated: 2022-07-18. Review status: criteria provided, single submitter. Criteria: Invitae Variant Classification Sherloc (09022015). Collection method: clinical testing. Allele origin: germline.
Comment: ClinVar contains an entry for this variant (Variation ID: 1443548). This variant has not been reported in the literature in individuals affected with KCNQ1-related conditions. This variant is present in population databases (rs749196110, gnomAD 0.003%). This sequence change replaces threonine, which is neutral and polar, with alanine, which is neutral and non-polar, at codon 501 of the KCNQ1 protein (p.Thr501Ala). Algorithms developed to predict the effect of missense changes on protein structure and function (SIFT, PolyPhen-2, Align-GVGD) all suggest that this variant is likely to be tolerated. In summary, the available evidence is currently insufficient to determine the role of this variant in disease. Therefore, it has been classified as a Variant of Uncertain Significance.

Fulgent Genetics
Classification: Uncertain significance for Beckwith-Wiedemann syndrome; Long QT syndrome 1; Jervell and Lange-Nielsen syndrome 1; Atrial fibrillation, familial, 3; Short QT syndrome type 2. Last evaluated: 2021-10-18. Review status: criteria provided, single submitter. Criteria: ACMG Guidelines, 2015. Collection method: clinical testing. Allele origin: unknown.

NM_000218.3(KCNQ1):c.1501A>G (p.Thr501Ala)

Genes: KCNQ1 (potassium voltage-gated channel subfamily Q member 1; plus strand), KCNQ1OT1 (KCNQ1 opposite strand/antisense transcript 1; minus strand). Cytogenetic location: 11p15.5.
Variant type: single nucleotide variant.
Coding change: c.1501A>G on transcript NM_000218.3 (MANE Select); coding-DNA position 1501, A replaced by G.
Protein change: p.Thr501Ala; replaces threonine 501 with alanine.
Molecular consequence: missense variant.
Genome position (GRCh38, 1-based): chr11:2,662,068, A>G. VCF-style: chr11-2662068-A-G. GRCh37 (hg19) VCF-style: chr11-2683298-A-G.
Other names: c.1405A>G, p.Thr469Ala (NM_001406836.1); c.1231A>G, p.Thr411Ala (NM_001406837.1); c.961A>G, p.Thr321Ala (NM_001406838.1); c.1120A>G, p.Thr374Ala (NM_181798.2); short protein forms T501A, T374A, T469A, T411A, T321A.
Identifiers: ClinVar variation 1443548 (VCV001443548.9), dbSNP rs749196110, ClinGen allele CA030170.